The following is an entry in ClinVar:

ClinVar aggregate classification (germline): Conflicting classifications of pathogenicity. Review status: criteria provided, conflicting classifications (1 of 4 stars). 4 submissions from 4 submitters: Uncertain significance (3); Likely benign (1). Last evaluated 2024-08-30.

Conditions:
Cardiovascular phenotype. Identifiers: MedGen CN230736.
Cardiomyopathy (CMYO). Also called: Cardiomyopathies. Identifiers: Orphanet 167848, MedGen C0878544, MONDO:0004994, HP:0001638. Inheritance: Various modes of inheritance.
Hypertrophic cardiomyopathy. Also called: HYPERTROPHIC MYOCARDIOPATHY. Identifiers: Orphanet 217569, MedGen C0007194, MeSH D002312, MONDO:0005045, HP:0001639.

Allele frequency attached by ClinVar (database versions not stated): gnomAD exomes below 0.00001 and 0.00001.
gnomAD v4.1: 8 of 1,613,566 alleles (0.0005%); highest among the groups gnomAD compares: Non-Finnish European, 0.00068%; no homozygotes.

Submissions (4):

Color Diagnostics, LLC DBA Color Health
Classification: Uncertain significance for Cardiomyopathy. Last evaluated: 2024-08-30. Review status: criteria provided, single submitter. Criteria: ACMG Guidelines, 2015. Collection method: clinical testing. Allele origin: germline.
Comment: This missense variant replaces glutamine with histidine at codon 1030 of the MYH7 protein. Computational prediction tools indicate that this variant's impact on protein structure and function is inconclusive. To our knowledge, functional studies have not been reported for this variant. This variant has not been reported in individuals affected with MYH7-related disorders in the literature. This variant has been identified in 1/251480 chromosomes in the general population by the Genome Aggregation Database (gnomAD). The available evidence is insufficient to determine the role of this variant in disease conclusively. Therefore, this variant is classified as a Variant of Uncertain Significance.

Ambry Genetics
Classification: Uncertain significance for Cardiovascular phenotype. Last evaluated: 2024-07-16. Review status: criteria provided, single submitter. Criteria: Ambry Variant Classification Scheme 2023. Collection method: clinical testing. Allele origin: germline.
Comment: The p.Q1030H variant (also known as c.3090A>C), located in coding exon 22 of the MYH7 gene, results from an A to C substitution at nucleotide position 3090. The glutamine at codon 1030 is replaced by histidine, an amino acid with highly similar properties. This amino acid position is well conserved in available vertebrate species. In addition, this alteration is predicted to be tolerated by in silico analysis. Based on the available evidence, the clinical significance of this variant remains unclear.

All of Us Research Program, National Institutes of Health
Classification: Likely benign for Cardiomyopathy. Last evaluated: 2023-11-20. Review status: criteria provided, single submitter. Criteria: ACMG Guidelines, 2015. Collection method: clinical testing. Allele origin: germline. Inheritance: Autosomal dominant inheritance. Observed: 2 variant alleles, 2 heterozygotes.
Comment: This study involves interpretation of variants in research participants for the purpose of population health screening. Participant phenotype was not available at the time of variant classification. Additional details can be found in publication PMID: 35346344, PMCID: PMC8962531

Labcorp Genetics (formerly Invitae), Labcorp
Classification: Uncertain significance for Hypertrophic cardiomyopathy. Last evaluated: 2022-12-27. Review status: criteria provided, single submitter. Criteria: Invitae Variant Classification Sherloc (09022015). Collection method: clinical testing. Allele origin: germline.
Comment: In summary, the available evidence is currently insufficient to determine the role of this variant in disease. Therefore, it has been classified as a Variant of Uncertain Significance. Advanced modeling of protein sequence and biophysical properties (such as structural, functional, and spatial information, amino acid conservation, physicochemical variation, residue mobility, and thermodynamic stability) performed at Invitae indicates that this missense variant is expected to disrupt MYH7 protein function. ClinVar contains an entry for this variant (Variation ID: 919434). This variant has not been reported in the literature in individuals affected with MYH7-related conditions. This variant is present in population databases (rs765570412, gnomAD 0.0009%). This sequence change replaces glutamine, which is neutral and polar, with histidine, which is basic and polar, at codon 1030 of the MYH7 protein (p.Gln1030His).

NM_000257.4(MYH7):c.3090A>C (p.Gln1030His)

Gene: MYH7 (myosin heavy chain 7; minus strand). Cytogenetic location: 14q11.2.
Variant type: single nucleotide variant.
Coding change: c.3090A>C on transcript NM_000257.4 (MANE Select); coding-DNA position 3090, A replaced by C.
Protein change: p.Gln1030His; replaces glutamine 1030 with histidine.
Molecular consequence: missense variant.
Genome position (GRCh38, 1-based): chr14:23,423,556, T>G on the plus strand (A>C on the coding strand, the complement: MYH7 is on the minus strand). VCF-style: chr14-23423556-T-G. GRCh37 (hg19) VCF-style: chr14-23892765-T-G.
Other names: short protein forms Q1030H.
Identifiers: ClinVar variation 919434 (VCV000919434.7), dbSNP rs765570412, ClinGen allele CA257818692.